The following is an entry in ClinVar:

ClinVar aggregate classification (germline): Uncertain significance (1 of 4 stars; one submission).

Conditions:
Charcot-Marie-Tooth disease type 2. Also called: Charcot-Marie-Tooth type 2. Identifiers: Orphanet 64746, MedGen C0270914, MONDO:0018993.

gnomAD v4.1: 6 of 1,556,978 alleles (0.00039%); highest among the groups gnomAD compares: Non-Finnish European, 0.00035%; no homozygotes.

Submission:

Labcorp Genetics (formerly Invitae), Labcorp
Classification: Uncertain significance for Charcot-Marie-Tooth disease type 2. Last evaluated: 2025-07-09. Review status: criteria provided, single submitter. Criteria: Invitae Variant Classification Sherloc (09022015). Collection method: clinical testing. Allele origin: germline.
Comment: This sequence change replaces isoleucine, which is neutral and non-polar, with serine, which is neutral and polar, at codon 44 of the GARS protein (p.Ile44Ser). This variant is not present in population databases (gnomAD no frequency). This missense change has been observed in individual(s) with Charcot-Marie-Tooth disease (PMID: 32376792). ClinVar contains an entry for this variant (Variation ID: 938114). Invitae Evidence Modeling of protein sequence and biophysical properties (such as structural, functional, and spatial information, amino acid conservation, physicochemical variation, residue mobility, and thermodynamic stability) indicates that this missense variant is not expected to disrupt GARS protein function with a negative predictive value of 95%. In summary, the available evidence is currently insufficient to determine the role of this variant in disease. Therefore, it has been classified as a Variant of Uncertain Significance.

Literature cited by the submitters: PubMed 32376792.

NM_002047.4(GARS1):c.131T>G (p.Ile44Ser)

Gene: GARS1 (glycyl-tRNA synthetase 1; plus strand). Cytogenetic location: 7p14.3.
Variant type: single nucleotide variant.
Coding change: c.131T>G on transcript NM_002047.4 (MANE Select); coding-DNA position 131, T replaced by G.
Protein change: p.Ile44Ser; replaces isoleucine 44 with serine.
Molecular consequence: missense variant. On other transcripts: 5 prime UTR variant (1).
Genome position (GRCh38, 1-based): chr7:30,595,052, T>G. VCF-style: chr7-30595052-T-G. GRCh37 (hg19) VCF-style: chr7-30634668-T-G.
Other names: c.-32T>G (NM_001316772.1); short protein forms I44S.
Identifiers: ClinVar variation 938114 (VCV000938114.9), dbSNP rs1791215308, ClinGen allele CA367138597.